The following is an entry in ClinVar:

ClinVar aggregate classification (germline): Likely benign (1 of 4 stars; one submission).

gnomAD v4.1: 34 of 1,612,882 alleles (0.0021%); highest among the groups gnomAD compares: Non-Finnish European, 0.0022%; 1 homozygote.

Submission:

CeGaT Center for Human Genetics Tuebingen
Classification: Likely benign. Last evaluated: 2026-02-01. Review status: criteria provided, single submitter. Criteria: CeGaT Center For Human Genetics Tuebingen Variant Classification Criteria Version 2. Collection method: clinical testing. Allele origin: germline. Affected: yes. Observed: 2 variant alleles.
Comment: TAF4: BP4, BP7

NM_003185.4(TAF4):c.1362A>T (p.Gly454=)

Gene: TAF4 (TATA-box binding protein associated factor 4; minus strand). Cytogenetic location: 20q13.33.
Variant type: single nucleotide variant.
Coding change: c.1362A>T on transcript NM_003185.4 (MANE Select); coding-DNA position 1362, A replaced by T.
Protein change: p.Gly454=; no amino-acid change (glycine 454 retained).
Molecular consequence: synonymous variant.
Genome position (GRCh38, 1-based): chr20:62,014,706, T>A on the plus strand (A>T on the coding strand, the complement: TAF4 is on the minus strand). VCF-style: chr20-62014706-T-A. GRCh37 (hg19) VCF-style: chr20-60589762-T-A.
Identifiers: ClinVar variation 3770880 (VCV003770880.13).
Genomic context (GRCh38, chr20:62,014,706, plus strand): 5'-GGCCAAGGCCTGCTGAGGAATCATTAACAACTGCCCATTCTCACTTCGGACGAGGACCAT[T>A]CCTGCAGACAAAGGAGACCTGGCGTCAGGAACGCAACCACCCCAGAGCCATGAGGAGGCC-3'
Protein context (NP_003176.2, residues 444-464): TNIQNFQLPP[Gly454=]MVLVRSENGQ